The following is an entry in ClinVar:

ClinVar aggregate classification (germline): Pathogenic. Review status: criteria provided, multiple submitters, no conflicts (2 of 4 stars). 2 submissions from 2 submitters: Pathogenic (2). Last evaluated 2019-07-06.

Conditions:
Maturity-onset diabetes of the young (MODY). Also called: Maturity onset diabetes mellitus in young. Identifiers: Orphanet 552, MedGen C0342276, MONDO:0018911, HP:0004904.
Renal cysts and diabetes syndrome (RCAD). Also called: Familial hypoplastic, glomerulocystic kidney; MATURITY-ONSET DIABETES OF THE YOUNG, TYPE 5. Identifiers: Orphanet 93111, MedGen C0431693, MONDO:0007669, OMIM 137920.

Submissions (2):

Institute of Human Genetics, FAU Erlangen, Friedrich-Alexander-Universität Erlangen-Nürnberg
Classification: Pathogenic for Renal cysts and diabetes syndrome. Last evaluated: 2019-07-06. Review status: criteria provided, single submitter. Criteria: ACMG Guidelines, 2015. Collection method: literature only. Allele origin: germline. Affected: yes.
Comment: This variant and it's classification has been reported by Vasileiou et al. 2019; DOI:10.1101/576918. The variants has previously been reported in PMID:25700310; PMID:17307554; PMID:25536396 as "c.499_504delinsCCCCT; c.499_504delGCTCTGinsCCCCT" with clinical significance Pathogenic. It has been re-classified using InterVar and manual curation as Pathogenic based on PVS1 PM2 PP3.

Clinical Genomics, Uppaluri K&H Personalized Medicine Clinic
Classification: Pathogenic for Maturity-onset diabetes of the young. Review status: criteria provided, single submitter. Criteria: K & H Uppaluri Personalized Medicine Clinic Variant Classification & Assertion Criteria_Updated V.1. Collection method: research. Allele origin: unknown. Inheritance: Autosomal dominant inheritance.
Comment: HNF1B gene mutations are associated with early onset diabetes and pancreatic atrophy. It is also associated with multiple renal manifestations including renal cysts, Tubulointerstitial disease, glomerulocystic disease, renal hypoplasia, hypomagnesemia. However no sufficient evidence is found to ascertain the role of this particular variant rs1598848672, yet.

Literature cited by the submitters: PubMed 25700310 (cited by Institute of Human Genetics, FAU Erlangen, Friedrich-Alexander-Universität Erlangen-Nürnberg); PubMed 17307554 (cited by Institute of Human Genetics, FAU Erlangen, Friedrich-Alexander-Universität Erlangen-Nürnberg); PubMed 25536396 (cited by Institute of Human Genetics, FAU Erlangen, Friedrich-Alexander-Universität Erlangen-Nürnberg and Clinical Genomics, Uppaluri K&H Personalized Medicine Clinic); DOI 10.1101/576918 (cited by Institute of Human Genetics, FAU Erlangen, Friedrich-Alexander-Universität Erlangen-Nürnberg); PubMed 24897035 (cited by Clinical Genomics, Uppaluri K&H Personalized Medicine Clinic); PubMed 27615128 (cited by Clinical Genomics, Uppaluri K&H Personalized Medicine Clinic); PubMed 28215227 (cited by Clinical Genomics, Uppaluri K&H Personalized Medicine Clinic); PubMed 33434175 (cited by Clinical Genomics, Uppaluri K&H Personalized Medicine Clinic); PubMed 25741167 (cited by Clinical Genomics, Uppaluri K&H Personalized Medicine Clinic); PubMed 26340261 (cited by Clinical Genomics, Uppaluri K&H Personalized Medicine Clinic); PubMed 19639018 (cited by Clinical Genomics, Uppaluri K&H Personalized Medicine Clinic).

NM_000458.4(HNF1B):c.499_504delinsCCCCT (p.Ala167fs)

Gene: HNF1B (HNF1 homeobox B; minus strand). Cytogenetic location: 17q12.
Variant type: Indel.
Coding change: c.499_504delinsCCCCT on transcript NM_000458.4 (MANE Select); coding-DNA positions 499 to 504, GCTCTG replaced by CCCCT.
Protein change: p.Ala167fs; shifts the reading frame from alanine 167.
Molecular consequence: frameshift variant.
Genome position (GRCh38, 1-based): chr17:37,739,480-37,739,485, CAGAGC replaced by AGGGG on the plus strand (GCTCTG replaced by CCCCT on the coding strand, the reverse complement: HNF1B is on the minus strand). VCF-style: chr17-37739480-CAGAGC-AGGGG. GRCh37 (hg19) VCF-style: chr17-36099471-CAGAGC-AGGGG.
Other names: c.499_504delinsCCCCT, p.Ala167fs (NM_001165923.4, NM_001304286.2); short protein forms A167fs.
Identifiers: ClinVar variation 635681 (VCV000635681.2), dbSNP rs1598848672, ClinGen allele CA913190790.